The following is an entry in ClinVar:

NM_139276.3(STAT3):c.1993A>T (p.Ile665Phe)

Gene: STAT3 (signal transducer and activator of transcription 3; minus strand). Cytogenetic location: 17q21.2.
Variant type: single nucleotide variant.
Coding change: c.1993A>T on transcript NM_139276.3 (MANE Select); coding-DNA position 1993, A replaced by T.
Protein change: p.Ile665Phe; replaces isoleucine 665 with phenylalanine.
Molecular consequence: missense variant.
Genome position (GRCh38, 1-based): chr17:42,322,390, T>A on the plus strand (A>T on the coding strand, the complement: STAT3 is on the minus strand). VCF-style: chr17-42322390-T-A. GRCh37 (hg19) VCF-style: chr17-40474408-T-A.
Other names: c.1993A>T, p.Ile665Phe (NM_213662.2, NM_001369512.1, NM_001369513.1 and 9 more transcripts); c.1909A>T, p.Ile637Phe (NM_001384984.1); c.1915A>T, p.Ile639Phe (NM_001384985.1); c.2008A>T, p.Ile670Phe (NM_001384986.1, NM_001384990.1); c.1972A>T, p.Ile658Phe (NM_001384987.1); c.1897A>T, p.Ile633Phe (NM_001384989.1); c.1966A>T, p.Ile656Phe (NM_001384991.1); c.1933A>T, p.Ile645Phe (NM_001384992.1); short protein forms I665F, I633F, I637F, I639F, I645F, I656F, I658F, I670F.
Identifiers: ClinVar variation 661329 (VCV000661329.11), dbSNP rs1598391980, ClinGen allele CA399581788.

ClinVar aggregate classification (germline): Uncertain significance (1 of 4 stars; one submission).

Conditions:
STAT3 gain of function. Identifiers: MedGen C4288261.
Hyper-IgE recurrent infection syndrome 1, autosomal dominant. Also called: JOB SYNDROME; HYPER-IgE SYNDROME 1, AUTOSOMAL DOMINANT, WITH RECURRENT INFECTIONS; STAT3 Hyper IgE Syndrome; Hyper-IgE recurrent infection syndrome 1; Job's Syndrome. Identifiers: Orphanet 2314, MedGen C2936739, MONDO:0007818, OMIM 147060.

Submission:

Labcorp Genetics (formerly Invitae), Labcorp
Classification: Uncertain significance for STAT3 gain of function; Hyper-IgE recurrent infection syndrome 1, autosomal dominant. Last evaluated: 2023-10-13. Review status: criteria provided, single submitter. Criteria: Invitae Variant Classification Sherloc (09022015). Collection method: clinical testing. Allele origin: germline.
Comment: This sequence change replaces isoleucine, which is neutral and non-polar, with phenylalanine, which is neutral and non-polar, at codon 665 of the STAT3 protein (p.Ile665Phe). This variant is not present in population databases (gnomAD no frequency). This variant has not been reported in the literature in individuals affected with STAT3-related conditions. ClinVar contains an entry for this variant (Variation ID: 661329). Advanced modeling of protein sequence and biophysical properties (such as structural, functional, and spatial information, amino acid conservation, physicochemical variation, residue mobility, and thermodynamic stability) performed at Invitae indicates that this missense variant is expected to disrupt STAT3 protein function. In summary, the available evidence is currently insufficient to determine the role of this variant in disease. Therefore, it has been classified as a Variant of Uncertain Significance.